The following is an entry in ClinVar:

ClinVar aggregate classification (germline): Likely pathogenic (1 of 4 stars; one submission).

Conditions:
Cardiovascular phenotype. Identifiers: MedGen CN230736.

Submission:

Ambry Genetics
Classification: Likely pathogenic for Cardiovascular phenotype. Last evaluated: 2025-09-16. Review status: criteria provided, single submitter. Criteria: Ambry Variant Classification Scheme 2023. Collection method: clinical testing. Allele origin: germline.
Comment: The p.G219V variant (also known as c.656G>T), located in coding exon 5 of the ACVRL1 gene, results from a G to T substitution at nucleotide position 656. The glycine at codon 219 is replaced by valine, an amino acid with dissimilar properties. This variant was reported in individual(s) with features consistent with hereditary hemorrhagic telangiectasia (HHT) (Ambry internal data). Other variant(s) at the same codon, p.G219D (c.656G>A), have been identified in individual(s) with features consistent with hereditary hemorrhagic telangiectasia (HHT) (Bossler AD et al. Hum Mutat, 2006 Jul;27:667-75; Lenato GM et al. Hum Mutat, 2006 Feb;27:213-4; Wang XJ et al. Eur Respir J, 2019 Mar;53:[ePub ahead of print]; Ambry internal data). This variant is considered to be rare based on population cohorts in the Genome Aggregation Database (gnomAD). This amino acid position is highly conserved in available vertebrate species. In addition, this alteration is predicted to be deleterious by in silico analysis. Based on the majority of available evidence to date, this variant is likely to be pathogenic.

NM_000020.3(ACVRL1):c.656G>T (p.Gly219Val)

Gene: ACVRL1 (activin A receptor like type 1; plus strand). Cytogenetic location: 12q13.13.
Variant type: single nucleotide variant.
Coding change: c.656G>T on transcript NM_000020.3 (MANE Select); coding-DNA position 656, G replaced by T.
Protein change: p.Gly219Val; replaces glycine 219 with valine.
Molecular consequence: missense variant.
Genome position (GRCh38, 1-based): chr12:51,914,469, G>T. VCF-style: chr12-51914469-G-T. GRCh37 (hg19) VCF-style: chr12-52308253-G-T.
Other names: c.656G>T, p.Gly219Val (NM_001077401.2, NM_001406487.1, NM_001406488.1 and 1 more transcripts); c.344G>T, p.Gly115Val (NM_001406490.1, NM_001406491.1, NM_001406492.1 and 2 more transcripts); c.92G>T, p.Gly31Val (NM_001406495.1); short protein forms G115V, G219V, G31V.
Identifiers: ClinVar variation 4613368 (VCV004613368.1).